The following is an entry in ClinVar:

NM_004963.4(GUCY2C):c.3061C>T (p.Arg1021Cys)

Genes: GUCY2C (guanylate cyclase 2C; minus strand), PLBD1-AS1 (PLBD1 antisense RNA 1; plus strand). Cytogenetic location: 12p12.3.
Variant type: single nucleotide variant.
Coding change: c.3061C>T on transcript NM_004963.4 (MANE Select); coding-DNA position 3061, C replaced by T.
Protein change: p.Arg1021Cys; replaces arginine 1021 with cysteine.
Molecular consequence: missense variant.
Genome position (GRCh38, 1-based): chr12:14,613,278, G>A on the plus strand (C>T on the coding strand, the complement: GUCY2C is on the minus strand). VCF-style: chr12-14613278-G-A. GRCh37 (hg19) VCF-style: chr12-14766212-G-A.
Other names: c.3061C>T (NM_004963.3); short protein forms R1021C.
Identifiers: ClinVar variation 3662191 (VCV003662191.3).

ClinVar aggregate classification (germline): Uncertain significance. Review status: criteria provided, multiple submitters, no conflicts (2 of 4 stars). 2 submissions from 2 submitters: Uncertain significance (2). Last evaluated 2025-08-13.

Conditions:
Inborn genetic diseases. Identifiers: MedGen C0950123, MeSH D030342.

gnomAD v4.1: 20 of 1,611,872 alleles (0.0012%); highest among the groups gnomAD compares: African/African-American, 0.004%; no homozygotes.

Submissions (2):

Ambry Genetics
Classification: Uncertain significance for Inborn genetic diseases. Last evaluated: 2025-08-13. Review status: criteria provided, single submitter. Criteria: Ambry Variant Classification Scheme 2023. Collection method: clinical testing. Allele origin: germline.

Labcorp Genetics (formerly Invitae), Labcorp
Classification: Uncertain significance. Last evaluated: 2024-09-23. Review status: criteria provided, single submitter. Criteria: Invitae Variant Classification Sherloc (09022015). Collection method: clinical testing. Allele origin: germline.
Comment: This sequence change replaces arginine, which is basic and polar, with cysteine, which is neutral and slightly polar, at codon 1021 of the GUCY2C protein (p.Arg1021Cys). This variant is present in population databases (rs772639539, gnomAD 0.02%). This variant has not been reported in the literature in individuals affected with GUCY2C-related conditions. An algorithm developed to predict the effect of missense changes on protein structure and function (PolyPhen-2) suggests that this variant is likely to be disruptive. In summary, the available evidence is currently insufficient to determine the role of this variant in disease. Therefore, it has been classified as a Variant of Uncertain Significance.